The following is an entry in ClinVar:

NM_014846.4(WASHC5):c.3165A>G (p.Gln1055=)

Gene: WASHC5 (WASH complex subunit 5; minus strand). Cytogenetic location: 8q24.13.
Variant type: single nucleotide variant.
Coding change: c.3165A>G on transcript NM_014846.4 (MANE Select); coding-DNA position 3165, A replaced by G.
Protein change: p.Gln1055=; no amino-acid change (glutamine 1055 retained).
Molecular consequence: synonymous variant.
Genome position (GRCh38, 1-based): chr8:125,037,253, T>C on the plus strand (A>G on the coding strand, the complement: WASHC5 is on the minus strand). VCF-style: chr8-125037253-T-C. GRCh37 (hg19) VCF-style: chr8-126049495-T-C.
Other names: c.2721A>G, p.Gln907= (NM_001330609.2).
Identifiers: ClinVar variation 1549859 (VCV001549859.21), dbSNP rs777978845, ClinGen allele CA4873301.

ClinVar aggregate classification (germline): Likely benign. Review status: criteria provided, multiple submitters, no conflicts (2 of 4 stars). 2 submissions from 2 submitters: Likely benign (2). Last evaluated 2025-09-02.

Conditions:
Ritscher-Schinzel syndrome. Also called: CRANIOCEREBELLOCARDIAC DYSPLASIA. Identifiers: Orphanet 7, MedGen C0796137, MONDO:0019078.
Hereditary spastic paraplegia 8 (SPG8). Also called: SPASTIC PARAPLEGIA 8, AUTOSOMAL DOMINANT. Identifiers: Orphanet 100989, MedGen C1863704, MONDO:0011339, OMIM 603563.

Allele frequency attached by ClinVar (database versions not stated): ExAC 0.00007.
gnomAD v4.1: 114 of 1,602,902 alleles (0.0071%); highest among the groups gnomAD compares: Non-Finnish European, 0.0093%; 1 homozygote.

Submissions (2):

Labcorp Genetics (formerly Invitae), Labcorp
Classification: Likely benign for Ritscher-Schinzel syndrome; Hereditary spastic paraplegia 8. Last evaluated: 2025-09-02. Review status: criteria provided, single submitter. Criteria: Invitae Variant Classification Sherloc (09022015). Collection method: clinical testing. Allele origin: germline.

CeGaT Center for Human Genetics Tuebingen
Classification: Likely benign. Last evaluated: 2025-01-01. Review status: criteria provided, single submitter. Criteria: CeGaT Center For Human Genetics Tuebingen Variant Classification Criteria Version 2. Collection method: clinical testing. Allele origin: germline. Affected: yes. Observed: 1 variant allele.
Comment: WASHC5: BP4, BP7